The following is an entry in ClinVar:

NM_001367624.2(ZNF469):c.9614G>A (p.Gly3205Glu)

Gene: ZNF469 (zinc finger protein 469; plus strand). Cytogenetic location: 16q24.2.
Variant type: single nucleotide variant.
Coding change: c.9614G>A on transcript NM_001367624.2 (MANE Select); coding-DNA position 9614, G replaced by A.
Protein change: p.Gly3205Glu; replaces glycine 3205 with glutamic acid.
Molecular consequence: missense variant.
Genome position (GRCh38, 1-based): chr16:88,437,084, G>A. VCF-style: chr16-88437084-G-A. GRCh37 (hg19) VCF-style: chr16-88503492-G-A.
Other names: NM_001127464.1:c.9530G>A; short protein forms G3205E.
Identifiers: ClinVar variation 1767292 (VCV001767292.7), dbSNP rs1389866292, ClinGen allele CA397124348.

ClinVar aggregate classification (germline): Conflicting classifications of pathogenicity. Review status: criteria provided, conflicting classifications (1 of 4 stars). 3 submissions from 3 submitters: Uncertain significance (2); Likely benign (1). Last evaluated 2025-11-11.

Conditions:
Cardiovascular phenotype. Identifiers: MedGen CN230736.

Allele frequency attached by ClinVar (database versions not stated): gnomAD 0.00001; TOPMed 0.00001.
gnomAD v4.1: 17 of 1,543,980 alleles (0.0011%); highest among the groups gnomAD compares: South Asian, 0.0012%; no homozygotes.

Submissions (3):

Women's Health and Genetics/Laboratory Corporation of America, LabCorp
Classification: Uncertain significance. Last evaluated: 2025-11-11. Review status: criteria provided, single submitter. Criteria: LabCorp Variant Classification Summary - May 2015. Collection method: clinical testing. Allele origin: germline.
Comment: Variant summary: ZNF469 c.9614G>A (p.Gly3205Glu) results in a non-conservative amino acid change in the encoded protein sequence. Algorithms developed to predict the effect of missense changes on protein structure and function are either unavailable or do not agree on the potential impact of this missense change. The frequency data for this variant in gnomAD is considered unreliable, as metrics indicate poor data quality at this position. To our knowledge, no occurrence of c.9614G>A in individuals affected with ZNF469-related conditions and no experimental evidence demonstrating its impact on protein function have been reported. ClinVar contains an entry for this variant (Variation ID: 1767292). Based on the evidence outlined above, the variant was classified as uncertain significance.

Ambry Genetics
Classification: Likely benign for Cardiovascular phenotype. Last evaluated: 2024-12-26. Review status: criteria provided, single submitter. Criteria: Ambry Variant Classification Scheme 2023. Collection method: clinical testing. Allele origin: germline.

Labcorp Genetics (formerly Invitae), Labcorp
Classification: Uncertain significance. Last evaluated: 2022-01-05. Review status: criteria provided, single submitter. Criteria: Invitae Variant Classification Sherloc (09022015). Collection method: clinical testing. Allele origin: germline.
Comment: This sequence change replaces glycine, which is neutral and non-polar, with glutamic acid, which is acidic and polar, at codon 3177 of the ZNF469 protein (p.Gly3177Glu). This variant is not present in population databases (gnomAD no frequency). This variant has not been reported in the literature in individuals affected with ZNF469-related conditions. Algorithms developed to predict the effect of missense changes on protein structure and function are either unavailable or do not agree on the potential impact of this missense change (SIFT: "Deleterious"; PolyPhen-2: "Probably Damaging"; Align-GVGD: "Class C0"). In summary, the available evidence is currently insufficient to determine the role of this variant in disease. Therefore, it has been classified as a Variant of Uncertain Significance.